The following is an entry in ClinVar:

ClinVar aggregate classification (germline): Uncertain significance. Review status: criteria provided, multiple submitters, no conflicts (2 of 4 stars). 2 submissions from 2 submitters: Uncertain significance (2). Last evaluated 2024-09-17.

Conditions:
Cardiomyopathy (CMYO). Also called: Cardiomyopathies. Identifiers: Orphanet 167848, MedGen C0878544, MONDO:0004994, HP:0001638. Inheritance: Various modes of inheritance.
Catecholaminergic polymorphic ventricular tachycardia (CVPT). Also called: Catecholamine-induced polymorphic ventricular tachycardia. Identifiers: Orphanet 3286, MedGen C5574922, MONDO:0017990.

Allele frequency attached by ClinVar (database versions not stated): gnomAD exomes below 0.00001 and 0.00001.
gnomAD v4.1: 3 of 1,614,034 alleles (0.00019%); highest among the groups gnomAD compares: Non-Finnish European, 0.00025%; no homozygotes.

Submissions (2):

All of Us Research Program, National Institutes of Health
Classification: Uncertain significance for Catecholaminergic polymorphic ventricular tachycardia. Last evaluated: 2024-09-17. Review status: criteria provided, single submitter. Criteria: ACMG Guidelines, 2015. Collection method: clinical testing. Allele origin: germline. Inheritance: Autosomal dominant inheritance. Observed: 2 variant alleles, 2 heterozygotes.
Comment: This missense variant replaces glutamic acid with lysine at codon 1853 of the RYR2 protein. Computational prediction tool suggests that this variant may not impact protein structure and function (internally defined REVEL score threshold <=0.5, PMID: 27666373). Splice site prediction tools suggest that this variant may not impact RNA splicing. To our knowledge, functional studies have not been performed for this variant. This variant has not been reported in individuals affected with cardiovascular disorders in the literature. This variant has been identified in 1/248466 chromosomes in the general population by the Genome Aggregation Database (gnomAD). The available evidence is insufficient to determine the role of this variant in disease conclusively. Therefore, this variant is classified as a Variant of Uncertain Significance.

This study involves interpretation of variants in research participants for the purpose of population health screening. Participant phenotype was not available at the time of variant classification. Additional details can be found in publication PMID: 35346344, PMCID: PMC8962531

Color Diagnostics, LLC DBA Color Health
Classification: Uncertain significance for Cardiomyopathy. Last evaluated: 2019-09-16. Review status: criteria provided, single submitter. Criteria: ACMG Guidelines, 2015. Collection method: clinical testing. Allele origin: germline.
Comment: This missense variant replaces glutamic acid with lysine at codon 1853 of the RYR2 protein. Computational prediction tool suggests that this variant may not impact protein structure and function (internally defined REVEL score threshold ≤0.5, PMID: 27666373). Splice site prediction tools suggest that this variant may not impact RNA splicing. To our knowledge, functional studies have not been performed for this variant. This variant has not been reported in individuals affected with cardiovascular disorders in the literature. This variant has been identified in 1/248466 chromosomes in the general population by the Genome Aggregation Database (gnomAD). The available evidence is insufficient to determine the role of this variant in disease conclusively. Therefore, this variant is classified as a Variant of Uncertain Significance.

NM_001035.3(RYR2):c.5557G>A (p.Glu1853Lys)

Gene: RYR2 (ryanodine receptor 2; plus strand). Cytogenetic location: 1q43.
Variant type: single nucleotide variant.
Coding change: c.5557G>A on transcript NM_001035.3 (MANE Select); coding-DNA position 5557, G replaced by A.
Protein change: p.Glu1853Lys; replaces glutamic acid 1853 with lysine.
Molecular consequence: missense variant.
Genome position (GRCh38, 1-based): chr1:237,614,685, G>A. VCF-style: chr1-237614685-G-A. GRCh37 (hg19) VCF-style: chr1-237777985-G-A.
Other names: short protein forms E1853K.
Identifiers: ClinVar variation 918794 (VCV000918794.5), dbSNP rs1226782967, ClinGen allele CA345405286.
Genomic context (GRCh38, chr1:237,614,685, plus strand): 5'-ATCTTTCACAACGAGGACTTGAAGCACATCTTGCAGTTGATTGAGCCCAGTGTGTTTAAA[G>A]AAGCTGCCACTCCGGAGGAGGAGAGTGACACGCTGGAGAAAGAGCTCAGTGTGGACGATG-3'
Protein context (NP_001026.2, residues 1843-1863): LQLIEPSVFK[Glu1853Lys]AATPEEESDT